The following is an entry in ClinVar:

NM_001136018.4(EPHX1):c.1179T>C (p.Tyr393=)

Genes: EPHX1 (epoxide hydrolase 1; plus strand), TMEM63A (transmembrane protein 63A; minus strand). Cytogenetic location: 1q42.12.
Variant type: single nucleotide variant.
Coding change: c.1179T>C on transcript NM_001136018.4 (MANE Select); coding-DNA position 1179, T replaced by C.
Protein change: p.Tyr393=; no amino-acid change (tyrosine 393 retained).
Molecular consequence: synonymous variant. On other transcripts: non-coding transcript variant (4).
Genome position (GRCh38, 1-based): chr1:225,845,158, T>C. VCF-style: chr1-225845158-T-C. GRCh37 (hg19) VCF-style: chr1-226032859-T-C.
Other names: c.1179T>C, p.Tyr393= (NM_000120.4, NM_001291163.2, NM_001378426.1 and 1 more transcripts); c.1152T>C, p.Tyr384= (NM_001378428.1); c.1131T>C, p.Tyr377= (NM_001378429.1, NM_001378430.1); c.951T>C, p.Tyr317= (NM_001378431.1); c.612T>C, p.Tyr204= (NM_001378432.1).
Identifiers: ClinVar variation 4996887 (VCV004996887.1).
Genomic context (GRCh38, chr1:225,845,158, plus strand): 5'-GGGCGCAGGGCCACAGCCTCACCCCTCCGTCGGCTCTTTCACTTCCAGGATGAAGGTCTA[T>C]GTGCCCACTGGCTTCTCTGCCTTCCCTTTTGAGCTATTGCACACGCCTGAAAAGTGGGTG-3'
Protein context (NP_001129490.1, residues 383-403): MTQKHERMKV[Tyr393=]VPTGFSAFPF

ClinVar aggregate classification (germline): Likely benign (1 of 4 stars; one submission).

Conditions:
EPHX1-related disorder. Also called: EPHX1-related condition.

gnomAD v4.1: 4 of 1,614,052 alleles (0.00025%); highest among the groups gnomAD compares: Admixed American, 0.0017%; no homozygotes.

Submission:

PreventionGenetics, part of Exact Sciences
Classification: Likely benign for EPHX1-related condition. Last evaluated: 2026-02-16. Review status: criteria provided, single submitter. Criteria: ACMG Guidelines, 2015. Collection method: clinical testing. Allele origin: germline.
Comment: This variant is classified as likely benign based on ACMG/AMP sequence variant interpretation guidelines (Richards et al. 2015 PMID: 25741868, with internal and published modifications).